The following is an entry in ClinVar:

NM_005996.4(TBX3):c.1008C>T (p.Ala336=)

Gene: TBX3 (T-box transcription factor 3; minus strand). Cytogenetic location: 12q24.21.
Variant type: single nucleotide variant.
Coding change: c.1008C>T on transcript NM_005996.4 (MANE Select); coding-DNA position 1008, C replaced by T.
Protein change: p.Ala336=; no amino-acid change (alanine 336 retained).
Molecular consequence: synonymous variant.
Genome position (GRCh38, 1-based): chr12:114,676,344, G>A on the plus strand (C>T on the coding strand, the complement: TBX3 is on the minus strand). VCF-style: chr12-114676344-G-A. GRCh37 (hg19) VCF-style: chr12-115114149-G-A.
Other names: c.1068C>T, p.Ala356= (NM_016569.4); c.1068C>T (NM_016569.3).
Identifiers: ClinVar variation 1641961 (VCV001641961.10), dbSNP rs375068143, ClinGen allele CA6810037.
Genomic context (GRCh38, chr12:114,676,344, plus strand): 5'-CCAGTGATCACAAAGGTGACATGGTTTACCTTTGAGGTTCGATGTCCCTACAGTGGAGGC[G>A]GCTGGAGAAGAAGCCTGGGCGAAGCAGTTGAAAGCTGCTTGTTCACTGGAGGACTCATCA-3'
Protein context (NP_005987.3, residues 326-346): FNCFAQASSP[Ala336=]ASTVGTSNLK

ClinVar aggregate classification (germline): Likely benign. Review status: criteria provided, single submitter (1 of 4 stars). 2 submissions from 2 submitters: Likely benign (1). 1 of the submissions does not count toward it. Last evaluated 2023-07-06.

Conditions:
TBX3-related disorder. Also called: TBX3-related condition.
Ulnar-mammary syndrome (UMS). Also called: Ulnar-mammary syndrome of Pallister; PALLISTER ULNAR-MAMMARY SYNDROME; SCHINZEL SYNDROME. Identifiers: Orphanet 3138, MedGen C1866994, MONDO:0008411, OMIM 181450.

Allele frequency attached by ClinVar (database versions not stated): gnomAD 0.00001; TOPMed 0.00003; gnomAD exomes 0.00004; ExAC 0.00005; ESP Exome Variant Server 0.00015; 1000 Genomes Project 30x 0.00016.
gnomAD v4.1: 66 of 1,614,090 alleles (0.0041%); highest among the groups gnomAD compares: Non-Finnish European, 0.0051%; no homozygotes.

Submissions (2):

Labcorp Genetics (formerly Invitae), Labcorp
Classification: Likely benign for Ulnar-mammary syndrome. Last evaluated: 2023-07-06. Review status: criteria provided, single submitter. Criteria: Invitae Variant Classification Sherloc (09022015). Collection method: clinical testing. Allele origin: germline.

PreventionGenetics, part of Exact Sciences
Classification: Likely benign for TBX3-related condition. Last evaluated: 2022-08-02. Review status: no assertion criteria provided. Collection method: clinical testing. Allele origin: germline. Not counted in ClinVar's aggregate classification.
Comment: This variant is classified as likely benign based on ACMG/AMP sequence variant interpretation guidelines (Richards et al. 2015 PMID: 25741868, with internal and published modifications).